The following is an entry in ClinVar:

NM_000154.2(GALK1):c.16C>G (p.Gln6Glu)

Gene: GALK1 (galactokinase 1; minus strand). Cytogenetic location: 17q25.1.
Variant type: single nucleotide variant.
Coding change: c.16C>G on transcript NM_000154.2 (MANE Select); coding-DNA position 16, C replaced by G.
Protein change: p.Gln6Glu; replaces glutamine 6 with glutamic acid.
Molecular consequence: missense variant.
Genome position (GRCh38, 1-based): chr17:75,765,121, G>C on the plus strand (C>G on the coding strand, the complement: GALK1 is on the minus strand). VCF-style: chr17-75765121-G-C. GRCh37 (hg19) VCF-style: chr17-73761202-G-C.
Other names: c.16C>G, p.Gln6Glu (NM_001381985.1); short protein forms Q6E.
Identifiers: ClinVar variation 4883319 (VCV004883319.2).

ClinVar aggregate classification (germline): Uncertain significance (1 of 4 stars; one submission).

Submission:

Dasa
Classification: Uncertain significance. Last evaluated: 2026-03-06. Review status: criteria provided, single submitter. Criteria: DASA Assertion Criteria. Collection method: clinical testing. Allele origin: germline.
Comment: NM_000154.2(GALK1):c.16C>G (p.Gln6Glu) is a missense variant that results in the substitution of glutamine with glutamic acid. This variant is rare in population databases. The currently available literature and clinical evidence are not sufficient to establish a definitive association between this variant and the reported condition. Therefore, this variant is classified as a variant of uncertain significance.